The following is an entry in ClinVar:

ClinVar aggregate classification (germline): Likely pathogenic (1 of 4 stars; one submission).

Allele frequency attached by ClinVar (database versions not stated): gnomAD exomes 0.00003; ExAC 0.00030.
gnomAD v4.1: 40 of 1,578,736 alleles (0.0025%); highest among the groups gnomAD compares: South Asian, 0.046%; no homozygotes.

Submission:

Labcorp Genetics (formerly Invitae), Labcorp
Classification: Likely pathogenic. Last evaluated: 2022-05-07. Review status: criteria provided, single submitter. Criteria: Invitae Variant Classification Sherloc (09022015). Collection method: clinical testing. Allele origin: germline.
Comment: Algorithms developed to predict the effect of sequence changes on RNA splicing suggest that this variant may disrupt the consensus splice site. This variant has not been reported in the literature in individuals affected with SCYL1-related conditions. This variant is present in population databases (rs765686702, gnomAD 0.06%). This sequence change affects a donor splice site in intron 15 of the SCYL1 gene. It is expected to disrupt RNA splicing. Variants that disrupt the donor or acceptor splice site typically lead to a loss of protein function (PMID: 16199547), and loss-of-function variants in SCYL1 are known to be pathogenic (PMID: 23175812, 26581903). In summary, the currently available evidence indicates that the variant is pathogenic, but additional data are needed to prove that conclusively. Therefore, this variant has been classified as Likely Pathogenic.

Literature cited by the submitters: PubMed 16199547; PubMed 23175812; PubMed 26581903.

NM_020680.4(SCYL1):c.2031+1G>C

Gene: SCYL1 (SCY1 like pseudokinase 1; plus strand). Cytogenetic location: 11q13.1.
Variant type: single nucleotide variant.
Coding change: c.2031+1G>C on transcript NM_020680.4 (MANE Select); the canonical splice donor site of the intron after coding-DNA position 2031, G replaced by C.
Molecular consequence: splice donor variant.
Genome position (GRCh38, 1-based): chr11:65,537,881, G>C. VCF-style: chr11-65537881-G-C. GRCh37 (hg19) VCF-style: chr11-65305352-G-C.
Other names: c.2028+1G>C (NM_001411022.1); c.1980+1G>C (NM_001048218.2).
Identifiers: ClinVar variation 2181462 (VCV002181462.4), dbSNP rs765686702, ClinGen allele CA6100008.